The following is an entry in ClinVar:

NM_001286.5(CLCN6):c.109G>C (p.Glu37Gln)

Gene: CLCN6 (chloride voltage-gated channel 6; plus strand). Cytogenetic location: 1p36.22.
Variant type: single nucleotide variant.
Coding change: c.109G>C on transcript NM_001286.5 (MANE Select); coding-DNA position 109, G replaced by C.
Protein change: p.Glu37Gln; replaces glutamic acid 37 with glutamine.
Molecular consequence: missense variant. On other transcripts: non-coding transcript variant (1).
Genome position (GRCh38, 1-based): chr1:11,807,152, G>C. VCF-style: chr1-11807152-G-C. GRCh37 (hg19) VCF-style: chr1-11867209-G-C.
Other names: c.109G>C, p.Glu37Gln (NM_001256959.2); short protein forms E37Q.
Identifiers: ClinVar variation 4725853 (VCV004725853.1).

ClinVar aggregate classification (germline): Uncertain significance (1 of 4 stars; one submission).

gnomAD v4.1: 4 of 1,613,504 alleles (0.00025%); highest among the groups gnomAD compares: Non-Finnish European, 0.00034%; no homozygotes.

Submission:

Labcorp Genetics (formerly Invitae), Labcorp
Classification: Uncertain significance. Last evaluated: 2025-08-28. Review status: criteria provided, single submitter. Criteria: Invitae Variant Classification Sherloc (09022015). Collection method: clinical testing. Allele origin: germline.
Comment: This sequence change replaces glutamic acid, which is acidic and polar, with glutamine, which is neutral and polar, at codon 37 of the CLCN6 protein (p.Glu37Gln). This variant is not present in population databases (gnomAD no frequency). This variant has not been reported in the literature in individuals affected with CLCN6-related conditions. An algorithm developed to predict the effect of missense changes on protein structure and function (PolyPhen-2) suggests that this variant is likely to be tolerated. In summary, the available evidence is currently insufficient to determine the role of this variant in disease. Therefore, it has been classified as a Variant of Uncertain Significance.